The following is an entry in ClinVar:

NM_006031.6(PCNT):c.5636C>G (p.Ala1879Gly)

Gene: PCNT (pericentrin; plus strand). Cytogenetic location: 21q22.3.
Variant type: single nucleotide variant.
Coding change: c.5636C>G on transcript NM_006031.6 (MANE Select); coding-DNA position 5636, C replaced by G.
Protein change: p.Ala1879Gly; replaces alanine 1879 with glycine.
Molecular consequence: missense variant.
Genome position (GRCh38, 1-based): chr21:46,411,709, C>G. VCF-style: chr21-46411709-C-G. GRCh37 (hg19) VCF-style: chr21-47831623-C-G.
Other names: c.5282C>G, p.Ala1761Gly (NM_001315529.2); short protein forms A1879G, A1761G.
Identifiers: ClinVar variation 449236 (VCV000449236.4), dbSNP rs1352792544, ClinGen allele CA410555414.

ClinVar aggregate classification (germline): Uncertain significance. Review status: criteria provided, multiple submitters, no conflicts (2 of 4 stars). 2 submissions from 2 submitters: Uncertain significance (2). Last evaluated 2026-01-26.

Conditions:
PCNT-related disorder. Also called: PCNT-related condition.

Allele frequency attached by ClinVar (database versions not stated): gnomAD exomes 0.00001.
gnomAD v4.1: 21 of 1,612,646 alleles (0.0013%); highest among the groups gnomAD compares: Non-Finnish European, 0.0017%; no homozygotes.

Submissions (2):

PreventionGenetics, part of Exact Sciences
Classification: Uncertain significance for PCNT-related condition. Last evaluated: 2026-01-26. Review status: criteria provided, single submitter. Criteria: ACMG Guidelines, 2015. Collection method: clinical testing. Allele origin: germline.
Comment: The PCNT c.5636C>G variant is predicted to result in the amino acid substitution p.Ala1879Gly. To our knowledge, this variant has not been reported in the literature. This variant is reported in 0.0018% of alleles in individuals of European (Non-Finnish) descent in gnomAD. At this time, the clinical significance of this variant is uncertain due to the absence of conclusive functional and genetic evidence.

GeneDx
Classification: Uncertain significance. Last evaluated: 2015-08-26. Review status: criteria provided, single submitter. Criteria: GeneDx Variant Classification (06012015). Collection method: clinical testing. Allele origin: germline. Affected: yes.
Comment: A variant of unknown significance has been identified in the PCNT gene. The A1879G variant has not been published as a pathogenic variant, nor has it been reported as a benign polymorphism to our knowledge. It was not observed in approximately 6,500 individuals of European and African American ancestry in the NHLBI Exome Sequencing Project, indicating it is not a common benign variant in these populations. The A1879G variant is a conservative amino acid substitution, which is not likely to impact secondary protein structure as these residues share similar properties. This substitution occurs at a position that is not conserved. However, in silico analysis is inconsistent in its predictions as to whether or not the A1879G variant is damaging to the protein structure/function. Therefore, based on the currently available information, it is unclear whether this variant is a pathogenic variant or a rare benign variant.